The following is an entry in ClinVar:

ClinVar aggregate classification (germline): Conflicting classifications of pathogenicity. Review status: criteria provided, conflicting classifications (1 of 4 stars). 2 submissions from 1 submitter: Uncertain significance (1); Benign (1). Last evaluated 2018-01-13.

Conditions:
Hypoalphalipoproteinemia, primary, 1. Identifiers: Orphanet 425, MedGen C5231558, MONDO:0011393, OMIM 604091.
Tangier disease (TGD). Also called: HIGH DENSITY LIPOPROTEIN DEFICIENCY, TANGIER TYPE; HIGH DENSITY LIPOPROTEIN DEFICIENCY, TYPE 1; Cholesterol thesaurismosis. Identifiers: Orphanet 31150, MedGen C0039292, MONDO:0008783, OMIM 205400.

Allele frequency attached by ClinVar (database versions not stated): TOPMed 0.00087; 1000 Genomes Project 0.00180.

Submissions (2):

Illumina Laboratory Services, Illumina
Classification: Uncertain significance for Tangier disease. Last evaluated: 2018-01-13. Review status: criteria provided, single submitter. Criteria: ICSL Variant Classification Criteria 13 December 2019. Collection method: clinical testing. Allele origin: germline.

Illumina Laboratory Services, Illumina
Classification: Benign for Hypoalphalipoproteinemia, primary, 1. Last evaluated: 2018-01-13. Review status: criteria provided, single submitter. Criteria: ICSL Variant Classification Criteria 13 December 2019. Collection method: clinical testing. Allele origin: germline.
Comment: This variant was observed in the ICSL laboratory as part of a predisposition screen in an ostensibly healthy population. It had not been previously curated by ICSL or reported in the Human Gene Mutation Database (HGMD: prior to June 1st, 2018), and was therefore a candidate for classification through an automated scoring system. Utilizing variant allele frequency, disease prevalence and penetrance estimates, and inheritance mode, an automated score was calculated to assess if this variant is too frequent to cause the disease. Based on the score and internal cut-off values, a variant classified as benign is not then subjected to further curation. The score for this variant resulted in a classification of benign for this disease.

NM_005502.4(ABCA1):c.*874G>A

Genes: ABCA1 (ATP binding cassette subfamily A member 1; minus strand), NIPSNAP3B (nipsnap homolog 3B; plus strand). Cytogenetic location: 9q31.1.
Variant type: single nucleotide variant.
Coding change: c.*874G>A on transcript NM_005502.4 (MANE Select); 874 bases downstream of the stop codon, G replaced by A.
Molecular consequence: 3 prime UTR variant.
Genome position (GRCh38, 1-based): chr9:104,783,441, C>T on the plus strand (G>A on the coding strand, the complement: ABCA1 is on the minus strand). VCF-style: chr9-104783441-C-T. GRCh37 (hg19) VCF-style: chr9-107545722-C-T.
Identifiers: ClinVar variation 913772 (VCV000913772.4), dbSNP rs569604699, ClinGen allele CA197395325.
Genomic context (GRCh38, chr9:104,783,441, plus strand): 5'-GCAGTGTACCATGTTAGCAGACAGTCAGGACAAATGGGCACAGGCTTCCCTAGGTTTGAA[C>T]GCACAATCTCTTTAATCCCATGCCCTGGCTTCAGCAGCTTGCAGCCCCAGCAGTTTGGCT-3'